The following is an entry in ClinVar:

NM_000051.4(ATM):c.9169T>G (p.Ter3057Gly)

Genes: ATM (ATM serine/threonine kinase; plus strand), C11orf65 (chromosome 11 open reading frame 65; minus strand). Cytogenetic location: 11q22.3.
Variant type: single nucleotide variant.
Coding change: c.9169T>G on transcript NM_000051.4 (MANE Select); coding-DNA position 9169, T replaced by G.
Protein change: p.Ter3057Gly.
Molecular consequence: stop lost. On other transcripts: intron variant (2).
Genome position (GRCh38, 1-based): chr11:108,365,506, T>G. VCF-style: chr11-108365506-T-G. GRCh37 (hg19) VCF-style: chr11-108236233-T-G.
Other names: *3057G; c.9169T>G, p.Ter3057Gly (NM_001351834.2); c.640+20414A>C (NM_001330368.2); c.694+20414A>C (NM_001351110.2).
Identifiers: ClinVar variation 836593 (VCV000836593.14), dbSNP rs2091262473, ClinGen allele CA382532214.

ClinVar aggregate classification (germline): Likely pathogenic. Review status: criteria provided, multiple submitters, no conflicts (2 of 4 stars). 8 submissions from 8 submitters: Likely pathogenic (7). 1 of the submissions does not count toward it. Last evaluated 2025-04-13.

Conditions:
Carcinoma of colon (CRC). Also called: Colonic carcinoma; Colon carcinoma. Identifiers: MedGen C0699790, MONDO:0002032.
Hereditary cancer. Identifiers: MedGen C1333600.
Hereditary cancer-predisposing syndrome. Also called: Tumor predisposition; Neoplastic Syndromes, Hereditary; Hereditary Cancer Syndrome; Hereditary neoplastic syndrome. Identifiers: Orphanet 140162, MedGen C0027672, MeSH D009386, MONDO:0015356.
Familial cancer of breast. Also called: Hereditary breast cancer; BREAST CANCER, FAMILIAL; hereditary breast carcinoma. Identifiers: Orphanet 227535, MedGen C0346153, MONDO:0016419, OMIM 114480. Disease mechanism: loss of function.
Ataxia-telangiectasia syndrome (AT). Also called: ATAXIA-TELANGIECTASIA, COMPLEMENTATION GROUP A; ATAXIA-TELANGIECTASIA, FRESNO VARIANT; Ataxia-telangiectasia; Ataxia-telangiectasia, complementation group D; AT, COMPLEMENTATION GROUP C; Ataxia-telangiectasia, complementation group E. Identifiers: Orphanet 100, MedGen C0004135, MONDO:0008840, OMIM 208900.

Submissions (8):

Natera, Inc.
Classification: Likely pathogenic for Ataxia-telangiectasia. Last evaluated: 2025-04-13. Review status: criteria provided, single submitter. Criteria: Natera Variant Classification Schema (03/2026). Collection method: clinical testing. Allele origin: germline.
Comment: The c.9169T>G variant in ATM is a stop-loss variant predicted to disrupt the normal termination codon and extend translation beyond the canonical stop site. This variant is rare in the general population with a frequency below the threshold expected for the associated phenotype(s). This variant has been observed in one or more individuals affected with the associated recessive disease, as either homozygous or compound heterozygous with a second variant (PMID: 21665257, 17910737). Given the available evidence, this variant is classified as Likely Pathogenic.

Mendelics
Classification: Likely pathogenic for Hereditary cancer. Last evaluated: 2024-08-12. Review status: criteria provided, single submitter. Criteria: ACMG Guidelines, 2015. Collection method: clinical testing. Allele origin: unknown.

Color Diagnostics, LLC DBA Color Health
Classification: Likely pathogenic for Hereditary cancer-predisposing syndrome. Last evaluated: 2024-06-10. Review status: criteria provided, single submitter. Criteria: ACMG Guidelines, 2015. Collection method: clinical testing. Allele origin: germline.
Comment: This variant changes the translational stop signal of the ATM gene to glycine. Translation read-through is expected to extend the length of the ATM protein by 29 additional amino acids. To our knowledge, functional studies have not been reported for this variant. This variant has been reported in the compound heterozygous state with different pathogenic co-variants in two individuals affected with ataxia-telangiectasia (PMID: 17910737, 21665257). A different variant that also causes a stop loss and 29 amino acid extension, c.9170G>C (p.\\*3057Serext\\*29), has been detected in the homozygous state in an individual affected with ataxia-telangiectasia (PMID: 8845835, 29155101). This variant, c.9169T>G (p.\\*3057Glyext\\*29), has not been identified in the general population by the Genome Aggregation Database (gnomAD). The available evidence is insufficient to determine the role of this variant in disease conclusively. Therefore, this variant is classified as Likely Pathogenic.

Labcorp Genetics (formerly Invitae), Labcorp
Classification: Likely pathogenic for Ataxia-telangiectasia syndrome. Last evaluated: 2024-04-13. Review status: criteria provided, single submitter. Criteria: Invitae Variant Classification Sherloc (09022015). Collection method: clinical testing. Allele origin: germline.
Comment: This sequence change disrupts the translational stop signal of the ATM mRNA. It is expected to extend the length of the ATM protein by 29 additional amino acid residues. This variant is not present in population databases (gnomAD no frequency). This protein extension has been observed in individual(s) with ataxia telangiectasia (PMID: 17910737). In at least one individual the data is consistent with being in trans (on the opposite chromosome) from a pathogenic variant. ClinVar contains an entry for this variant (Variation ID: 836593). This variant results in an extension of the ATM protein. Other variant(s) that result in a similarly extended protein product (p.*3057Serext*29) have been observed in individuals with ATM-related disease (PMID: 8845835). This suggests that these extensions may be clinically significant. In summary, the currently available evidence indicates that the variant is pathogenic, but additional data are needed to prove that conclusively. Therefore, this variant has been classified as Likely Pathogenic.

Myriad Genetics, Inc.
Classification: Likely pathogenic for Familial cancer of breast. Last evaluated: 2024-02-06. Review status: criteria provided, single submitter. Criteria: Myriad Autosomal Dominant, Autosomal Recessive and X-Linked Classification Criteria (2023). Collection method: clinical testing. Allele origin: unknown.
Comment: This variant is considered likely pathogenic. This variant creates a frameshift predicted to result in the incorporation of abnormal amino acid sequence into the protein product and abnormal protein elongation. This variant has been reported in multiple individuals with clinical features of gene-specific disease [PMID: 17910737, 21665257, 8845835, 29155101].

Ambry Genetics
Classification: Likely pathogenic for Hereditary cancer-predisposing syndrome. Last evaluated: 2023-10-06. Review status: criteria provided, single submitter. Criteria: Ambry Variant Classification Scheme 2023. Collection method: clinical testing. Allele origin: germline.
Comment: The c.9169T>G variant (also known as p.*3057Gext*29), located in coding exon 62 of the ATM gene, results from a T to G substitution at nucleotide position 9169, which is the last nucleotide of the ATM gene. This alteration disrupts the stop codon of the ATM gene and is predicted to preserve the native sequence while resulting in the elongation of the protein by 29 amino acids. However, based on an internal structural assessment, this alteration disrupts a functionally important region of ATM (Ambry internal data). This alteration has been reported in conjunction with a truncating variant in ATM in a patient with ataxia telangiectasia (Cavalieri S et al. Ann Hum Genet, 2008 Jan;72:10-8). This variant is considered to be rare based on population cohorts in the Genome Aggregation Database (gnomAD). Based on the majority of available evidence to date, this variant is likely to be pathogenic.

Baylor Genetics
Classification: Likely pathogenic for Familial cancer of breast. Last evaluated: 2023-05-06. Review status: criteria provided, single submitter. Criteria: ACMG Guidelines, 2015. Collection method: clinical testing. Allele origin: unknown.

Department of Pathology and Laboratory Medicine, Sinai Health System
Classification: Uncertain significance for Carcinoma of colon. Review status: no assertion criteria provided. Collection method: clinical testing. Allele origin: unknown. Affected: yes. Study: The Canadian Open Genetics Repository (COGR). Not counted in ClinVar's aggregate classification.
Comment: The ATM p.*3057Glyext*29 variant was not identified in the literature nor was it identified in the dbSNP, ClinVar, or LOVD 3.0 databases. The variant was not identified in the following control databases: the Exome Aggregation Consortium (August 8th 2016) or the Genome Aggregation Database (Feb 27, 2017). The c.9169T>G variant occurs in the stop codon of this reading frame and is predicted to extend the ATM protein by 30 residues. The effect of this protein extension on protein function cannot currently be predicted. In summary, based on the above information, the clinical significance of this variant cannot be determined with certainty at this time. This variant is classified as a variant of uncertain significance.

Literature cited by the submitters: PubMed 21665257 (cited by 3 submitters); PubMed 17910737 (cited by 5 submitters); PubMed 8845835 (cited by 3 submitters); PubMed 29155101 (cited by Color Diagnostics, LLC DBA Color Health and Myriad Genetics, Inc.).